The following is an entry in ClinVar:

ClinVar aggregate classification (germline): Conflicting classifications of pathogenicity. Review status: criteria provided, conflicting classifications (1 of 4 stars). 2 submissions from 2 submitters: Uncertain significance (1); Likely benign (1). Last evaluated 2024-11-19.

Allele frequency attached by ClinVar (database versions not stated): gnomAD exomes 0.00006 and 0.00019; 1000 Genomes Project 30x 0.00016; ExAC 0.00019; 1000 Genomes Project 0.00020; ESP Exome Variant Server 0.00023; gnomAD 0.00038 and 0.00041; TOPMed 0.00063.
gnomAD v4.1: 157 of 1,614,148 alleles (0.0097%); highest among the groups gnomAD compares: Admixed American, 0.078%; no homozygotes.

Submissions (2):

Labcorp Genetics (formerly Invitae), Labcorp
Classification: Uncertain significance. Last evaluated: 2024-11-19. Review status: criteria provided, single submitter. Criteria: Invitae Variant Classification Sherloc (09022015). Collection method: clinical testing. Allele origin: germline.
Comment: This sequence change replaces glutamic acid, which is acidic and polar, with lysine, which is basic and polar, at codon 592 of the DISP1 protein (p.Glu592Lys). This variant is present in population databases (rs140364622, gnomAD 0.07%). This variant has not been reported in the literature in individuals affected with DISP1-related conditions. ClinVar contains an entry for this variant (Variation ID: 1326383). An algorithm developed to predict the effect of missense changes on protein structure and function outputs the following: PolyPhen-2: "Benign". The lysine amino acid residue is found in multiple mammalian species, which suggests that this missense change does not adversely affect protein function. In summary, the available evidence is currently insufficient to determine the role of this variant in disease. Therefore, it has been classified as a Variant of Uncertain Significance.

GeneDx
Classification: Likely benign. Last evaluated: 2021-04-23. Review status: criteria provided, single submitter. Criteria: GeneDx Variant Classification Process June 2021. Collection method: clinical testing. Allele origin: germline. Affected: yes.
Comment: In silico analysis supports that this missense variant does not alter protein structure/function; Has not been previously published as pathogenic or benign to our knowledge

NM_001377229.1(DISP1):c.1774G>A (p.Glu592Lys)

Gene: DISP1 (dispatched RND transporter family member 1; plus strand). Cytogenetic location: 1q41.
Variant type: single nucleotide variant.
Coding change: c.1774G>A on transcript NM_001377229.1 (MANE Select); coding-DNA position 1774, G replaced by A.
Protein change: p.Glu592Lys; replaces glutamic acid 592 with lysine.
Molecular consequence: missense variant.
Genome position (GRCh38, 1-based): chr1:223,003,171, G>A. VCF-style: chr1-223003171-G-A. GRCh37 (hg19) VCF-style: chr1-223176513-G-A.
Other names: c.1774G>A, p.Glu592Lys (NM_001377228.1, NM_032890.5, NM_001369594.1); c.1045G>A, p.Glu349Lys (NM_001350630.2); short protein forms E349K, E592K.
Identifiers: ClinVar variation 1326383 (VCV001326383.5), dbSNP rs140364622, ClinGen allele CA1409117.